The following is an entry in ClinVar:

ClinVar aggregate classification (germline): Pathogenic/Likely pathogenic. Review status: criteria provided, multiple submitters, no conflicts (2 of 4 stars). 4 submissions from 4 submitters: Pathogenic (1); Likely pathogenic (2). 1 of the submissions does not count toward it. Last evaluated 2026-01-09.

Conditions:
Glycine encephalopathy 1 (GCE1). Identifiers: MedGen CN376801, MONDO:0958179, OMIM 605899.
Glycine encephalopathy 2 (GCE2). Identifiers: MedGen C5830559, MONDO:0958192, OMIM 620398.
Glycine encephalopathy. Also called: Non-ketotic hyperglycinemia; Nonketotic hyperglycinemia. Identifiers: Orphanet 407, MedGen C0751748, MONDO:0011612, HP:0008288.

Submissions (4):

Natera, Inc.
Classification: Likely pathogenic for Non-ketotic hyperglycinemia. Last evaluated: 2026-01-09. Review status: criteria provided, single submitter. Criteria: Natera Variant Classification Schema (03/2026). Collection method: clinical testing. Allele origin: germline.
Comment: The c.165delG variant in AMT is a frameshift variant predicted to shift the reading frame and introduce a stop codon. This variant is expected to result in nonsense mediated decay, truncation, or a dysfunctional protein product. This variant is rare in the general population with a frequency below the threshold expected for the associated phenotype(s). Given the available evidence, this variant is classified as Likely Pathogenic.

Labcorp Genetics (formerly Invitae), Labcorp
Classification: Pathogenic for Glycine encephalopathy. Last evaluated: 2023-11-20. Review status: criteria provided, single submitter. Criteria: Invitae Variant Classification Sherloc (09022015). Collection method: clinical testing. Allele origin: germline.
Comment: This sequence change creates a premature translational stop signal (p.Trp55*) in the AMT gene. It is expected to result in an absent or disrupted protein product. Loss-of-function variants in AMT are known to be pathogenic (PMID: 16450403). This variant is not present in population databases (gnomAD no frequency). This variant has not been reported in the literature in individuals affected with AMT-related conditions. ClinVar contains an entry for this variant (Variation ID: 553319). For these reasons, this variant has been classified as Pathogenic.

Juno Genomics, Hangzhou Juno Genomics, Inc
Classification: Likely pathogenic for Glycine encephalopathy 2. Review status: criteria provided, single submitter. Criteria: ACMG Guidelines, 2015. Collection method: clinical testing. Allele origin: germline.
Comment: Null variant in a gene where loss of function (LOF) is a known mechanism of disease.;Absent from controls (or at extremely low frequency if recessive) in Genome Aggregation Database.

Counsyl
Classification: Likely pathogenic for Glycine encephalopathy 1. Last evaluated: 2017-08-15. Review status: no assertion criteria provided. Collection method: clinical testing. Allele origin: unknown. Not counted in ClinVar's aggregate classification.

Literature cited by the submitters: PubMed 16450403 (cited by Labcorp Genetics (formerly Invitae), Labcorp).

NM_000481.4(AMT):c.165del (p.Gly54_Trp55insTer)

Gene: AMT (aminomethyltransferase; minus strand). Cytogenetic location: 3p21.31.
Variant type: Deletion.
Coding change: c.165del on transcript NM_000481.4 (MANE Select); coding-DNA position 165, one base deleted (G; older notation c.165delG).
Protein change: p.Gly54_Trp55insTer.
Molecular consequence: nonsense. On other transcripts: non-coding transcript variant (1), intron variant (1).
Genome position (GRCh38, 1-based): chr3:49,422,197, C deleted on the plus strand (G on the coding strand, the reverse complement: AMT is on the minus strand); the first of 2 consecutive C bases (chr3:49,422,197-49,422,198); deleting either gives the same sequence. VCF-style (leftmost placement, unchanged base first): chr3-49422196-TC-T. GRCh37 (hg19) VCF-style: chr3-49459629-TC-T.
Other names: c.165del, p.Gly54_Trp55insTer (NM_001164710.2, NM_001164712.2); c.90+164del (NM_001164711.2); c.165delG (NM_000481.3).
Identifiers: ClinVar variation 553319 (VCV000553319.11), dbSNP rs1483890972, ClinGen allele CA658823339.
Genomic context (GRCh38, chr3:49,422,196, plus strand): 5'-AGTGCTGGCGTGTGTGCAGGTGCGAGTCAGTGTGACTGTCCCGGTACTGCACTGGCAGAC[TC>T]CAACCCGCAAACGCCACCATTTTCCCGCCGTGGGCCAGGTGGAAGTCATAGAGCGGTGTC-3'